The following is an entry in ClinVar:

NM_014795.4(ZEB2):c.697C>T (p.Arg233Cys)

Gene: ZEB2 (zinc finger E-box binding homeobox 2; minus strand). Cytogenetic location: 2q22.3.
Variant type: single nucleotide variant.
Coding change: c.697C>T on transcript NM_014795.4 (MANE Select); coding-DNA position 697, C replaced by T.
Protein change: p.Arg233Cys; replaces arginine 233 with cysteine.
Molecular consequence: missense variant.
Genome position (GRCh38, 1-based): chr2:144,404,026, G>A on the plus strand (C>T on the coding strand, the complement: ZEB2 is on the minus strand). VCF-style: chr2-144404026-G-A. GRCh37 (hg19) VCF-style: chr2-145161593-G-A.
Other names: c.625C>T, p.Arg209Cys (NM_001171653.2); short protein forms R209C, R233C.
Identifiers: ClinVar variation 1447734 (VCV001447734.28), dbSNP rs1303138587, ClinGen allele CA348714800.
Genomic context (GRCh38, chr2:144,404,026, plus strand): 5'-GGTAGGCAAACGTGTAGCTACAGAGAGGGCAGGAAAAGTTCTCTTCATTCTTCTCGTGGC[G>A]GTACTTGATGTGCTCCTTCAGTGATGTCAAGCGCTTGTAGCCCCGGTCGCAGTAGGGGCA-3'
Protein context (NP_055610.1, residues 223-243): LTSLKEHIKY[Arg233Cys]HEKNEENFSC

ClinVar aggregate classification (germline): Likely benign. Review status: criteria provided, multiple submitters, no conflicts (2 of 4 stars). 2 submissions from 2 submitters: Likely benign (2). Last evaluated 2023-12-01.

Conditions:
Mowat-Wilson syndrome (MOWS). Also called: Classic Mowat-Wilson Syndrome. Identifiers: Orphanet 2152, MedGen C1856113, MONDO:0009341, OMIM 235730.

Allele frequency attached by ClinVar (database versions not stated): gnomAD exomes below 0.00001 and 0.00001.
gnomAD v4.1: 6 of 1,614,074 alleles (0.00037%); highest among the groups gnomAD compares: Non-Finnish European, 0.00025%; no homozygotes.

Submissions (2):

CeGaT Center for Human Genetics Tuebingen
Classification: Likely benign. Last evaluated: 2023-12-01. Review status: criteria provided, single submitter. Criteria: CeGaT Center For Human Genetics Tuebingen Variant Classification Criteria Version 2. Collection method: clinical testing. Allele origin: germline. Affected: yes. Observed: 1 variant allele.
Comment: ZEB2: BP1

Labcorp Genetics (formerly Invitae), Labcorp
Classification: Likely benign for Mowat-Wilson syndrome. Last evaluated: 2022-09-07. Review status: criteria provided, single submitter. Criteria: Invitae Variant Classification Sherloc (09022015). Collection method: clinical testing. Allele origin: germline.